The following is an entry in ClinVar:

NM_003476.5(CSRP3):c.136A>C (p.Ser46Arg)

Gene: CSRP3 (cysteine and glycine rich protein 3; minus strand). Cytogenetic location: 11p15.1.
Variant type: single nucleotide variant.
Coding change: c.136A>C on transcript NM_003476.5 (MANE Select); coding-DNA position 136, A replaced by C.
Protein change: p.Ser46Arg; replaces serine 46 with arginine.
Molecular consequence: missense variant. On other transcripts: intron variant (1).
Genome position (GRCh38, 1-based): chr11:19,188,281, T>G on the plus strand (A>C on the coding strand, the complement: CSRP3 is on the minus strand). VCF-style: chr11-19188281-T-G. GRCh37 (hg19) VCF-style: chr11-19209828-T-G.
Other names: p.S46R:AGC>CGC; c.113-1933A>C (NM_001369404.1); short protein forms S46R.
Identifiers: ClinVar variation 8781 (VCV000008781.32), dbSNP rs137852765, ClinGen allele CA119915.

ClinVar aggregate classification (germline): Conflicting classifications of pathogenicity. Review status: criteria provided, conflicting classifications (1 of 4 stars). 11 submissions from 11 submitters: Likely pathogenic (1); Uncertain significance (9). 1 of the submissions does not count toward it. Last evaluated 2026-02-01.

Conditions:
Cardiovascular phenotype. Identifiers: MedGen CN230736.
CSRP3-related disorder. Also called: CSRP3-related disorders; CSRP3-related condition.
Dilated cardiomyopathy 1M (CMD1M). Identifiers: Orphanet 154, MedGen C1843808, MONDO:0011840, OMIM 607482.
Hypertrophic cardiomyopathy 12. Identifiers: MedGen C2677491, MONDO:0012804, OMIM 612124.
Cardiomyopathy (CMYO). Also called: Cardiomyopathies. Identifiers: Orphanet 167848, MedGen C0878544, MONDO:0004994, HP:0001638. Inheritance: Various modes of inheritance.

Allele frequency attached by ClinVar (database versions not stated): gnomAD exomes 0.00002; ExAC 0.00003; TOPMed 0.00003; gnomAD 0.00004 and 0.00005.
gnomAD v4.1: 34 of 1,612,516 alleles (0.0021%); highest among the groups gnomAD compares: Non-Finnish European, 0.0027%; no homozygotes.

Submissions (11):

CeGaT Center for Human Genetics Tuebingen
Classification: Likely pathogenic. Last evaluated: 2026-02-01. Review status: criteria provided, single submitter. Criteria: CeGaT Center For Human Genetics Tuebingen Variant Classification Criteria Version 2. Collection method: clinical testing. Allele origin: germline. Affected: yes. Observed: 1 variant allele.
Comment: CSRP3: PP1:Strong, PS4:Moderate, PM1:Supporting, PM2:Supporting, PP3

Labcorp Genetics (formerly Invitae), Labcorp
Classification: Uncertain significance for Hypertrophic cardiomyopathy 12; Dilated cardiomyopathy 1M. Last evaluated: 2026-01-14. Review status: criteria provided, single submitter. Criteria: Invitae Variant Classification Sherloc (09022015). Collection method: clinical testing. Allele origin: germline.
Comment: This sequence change replaces serine, which is neutral and polar, with arginine, which is basic and polar, at codon 46 of the CSRP3 protein (p.Ser46Arg). This variant is present in population databases (rs137852765, gnomAD 0.006%). This missense change has been observed in individual(s) with dilated cardiomyopathy and/or hypertrophic cardiomyopathy (PMID: 18505755, 24503780, 35626289). ClinVar contains an entry for this variant (Variation ID: 8781). An algorithm developed to predict the effect of missense changes on protein structure and function (PolyPhen-2) suggests that this variant is likely to be disruptive. In summary, the available evidence is currently insufficient to determine the role of this variant in disease. Therefore, it has been classified as a Variant of Uncertain Significance.

PreventionGenetics, part of Exact Sciences
Classification: Uncertain significance for CSRP3-related condition. Last evaluated: 2025-12-03. Review status: criteria provided, single submitter. Criteria: ACMG Guidelines, 2015. Collection method: clinical testing. Allele origin: germline.
Comment: The CSRP3 c.136A>C variant is predicted to result in the amino acid substitution p.Ser46Arg. This variant has been reported in individuals with dilated cardiomyopathy, hypertrophic cardiomyopathy, or tetralogy of Fallot (Geier et al. 2008. PubMed ID: 18505755; Table S3, Pugh et al. 2014. PubMed ID: 24503780; Table S1B, Walsh et al. 2017. PubMed ID: 27532257; Table S2, Sepp et al. 2022. PubMed ID: 35626289; Tables S2 and S5, Meerschaut et al. 2022. PubMed ID: 35885997) and documented to segregate with disorders in families (Geier et al. 2008. PubMed ID: 18505755). This variant was also reported in large exome sequencing cohorts, although detailed clinical information was not available (Andreasen et al. 2013. PubMed ID: 23299917; Table S1, van der Schoot et al. 2022. PubMed ID: 34697415). This variant is reported in 0.0054% of alleles in individuals of European (Non-Finnish) descent in gnomAD and interpreted as a variant of uncertain significance by most of the submitters in ClinVar (Variation ID: 8781). At this time, the clinical significance of this variant is uncertain due to the absence of conclusive functional and genetic evidence.

Ambry Genetics
Classification: Uncertain significance for Cardiovascular phenotype. Last evaluated: 2025-10-06. Review status: criteria provided, single submitter. Criteria: Ambry Variant Classification Scheme 2023. Collection method: clinical testing. Allele origin: germline.
Comment: The p.S46R variant (also known as c.136A>C), located in coding exon 2 of the CSRP3 gene, results from an A to C substitution at nucleotide position 136. The serine at codon 46 is replaced by arginine, an amino acid with dissimilar properties. This variant has been detected in individuals with features consistent with hypertrophic cardiomyopathy (Geier C et al. Hum Mol Genet, 2008 Sep;17:2753-65; Salazar-Mendiguch&iacute;a J et al. Eur J Med Genet, 2020 Dec;63:104079; Bourfiss M et al. Circ Genom Precis Med, 2022 Dec;15:e003704; Sepp R et al. Diagnostics (Basel), 2022 May;12; Ambry internal data). This amino acid position is highly conserved in available vertebrate species. In addition, this alteration is predicted to be deleterious by in silico analysis. Based on the available evidence, the clinical significance of this variant remains unclear.

GeneDx
Classification: Uncertain significance. Last evaluated: 2023-08-27. Review status: criteria provided, single submitter. Criteria: GeneDx Variant Classification Process June 2021. Collection method: clinical testing. Allele origin: germline. Affected: yes.
Comment: Identified in patients with HCM or DCM referred for genetic testing at GeneDx and in published literature (Geier et al., 2008; Pugh et al., 2014; Walsh et al., 2017; Janin et al., 2018; Bourfiss et al., 2022); In silico analysis supports that this missense variant has a deleterious effect on protein structure/function; This variant is associated with the following publications: (PMID: 23299917, 24503780, 16352453, 30012424, 36264615, 31919335, 35626289, 35241752, 34697415, 18505755, 27532257)

Clinical Genetics Laboratory, Skane University Hospital Lund
Classification: Uncertain significance. Last evaluated: 2022-05-27. Review status: criteria provided, single submitter. Criteria: ACMG Guidelines, 2015. Collection method: clinical testing. Allele origin: germline. Affected: yes.

Genetics and Molecular Pathology, SA Pathology
Classification: Uncertain significance for Hypertrophic cardiomyopathy 12. Last evaluated: 2022-03-02. Review status: criteria provided, single submitter. Criteria: ACMG Guidelines, 2015. Collection method: clinical testing. Allele origin: germline. Affected: yes.

Fulgent Genetics
Classification: Uncertain significance for Dilated cardiomyopathy 1M; Hypertrophic cardiomyopathy 12. Last evaluated: 2021-08-04. Review status: criteria provided, single submitter. Criteria: ACMG Guidelines, 2015. Collection method: clinical testing. Allele origin: unknown.

CHEO Genetics Diagnostic Laboratory, Children's Hospital of Eastern Ontario
Classification: Uncertain significance for Cardiomyopathy. Last evaluated: 2020-09-18. Review status: criteria provided, single submitter. Criteria: ACMG Guidelines, 2015. Collection method: clinical testing. Allele origin: germline.

Laboratory for Molecular Medicine, Mass General Brigham Personalized Medicine
Classification: Uncertain significance. Last evaluated: 2018-03-02. Review status: criteria provided, single submitter. Criteria: LMM Criteria. Collection method: clinical testing. Allele origin: germline. Observed: 3 variant alleles.
Comment: proposed classification - variant undergoing re-assessment, contact laboratory

OMIM
Classification: Pathogenic for CARDIOMYOPATHY, FAMILIAL HYPERTROPHIC, 12. Last evaluated: 2008-09-15. Review status: no assertion criteria provided. Collection method: literature only. Allele origin: germline. Not counted in ClinVar's aggregate classification.

Literature cited by the submitters: PubMed 18505755 (cited by 4 submitters); PubMed 24503780 (cited by 3 submitters); PubMed 35626289 (cited by Labcorp Genetics (formerly Invitae), Labcorp and Ambry Genetics); PubMed 23299917 (cited by Ambry Genetics and Laboratory for Molecular Medicine, Mass General Brigham Personalized Medicine); PubMed 27532257 (cited by Ambry Genetics and Laboratory for Molecular Medicine, Mass General Brigham Personalized Medicine); PubMed 33035702 (cited by Ambry Genetics); PubMed 34697415 (cited by Ambry Genetics); PubMed 36264615 (cited by Ambry Genetics).